The following is an entry in ClinVar:

NM_020812.4(DOCK6):c.4821C>G (p.His1607Gln)

Genes: DOCK6 (dedicator of cytokinesis 6; minus strand), DOCK6-AS1 (DOCK6 antisense RNA 1; plus strand). Cytogenetic location: 19p13.2.
Variant type: single nucleotide variant.
Coding change: c.4821C>G on transcript NM_020812.4 (MANE Select); coding-DNA position 4821, C replaced by G.
Protein change: p.His1607Gln; replaces histidine 1607 with glutamine.
Molecular consequence: missense variant.
Genome position (GRCh38, 1-based): chr19:11,209,034, G>C on the plus strand (C>G on the coding strand, the complement: DOCK6 is on the minus strand). VCF-style: chr19-11209034-G-C. GRCh37 (hg19) VCF-style: chr19-11319710-G-C.
Other names: c.4926C>G, p.His1642Gln (NM_001367830.1); short protein forms H1642Q, H1607Q.
Identifiers: ClinVar variation 1383712 (VCV001383712.8), dbSNP rs746168696, ClinGen allele CA404078337.

ClinVar aggregate classification (germline): Uncertain significance (1 of 4 stars; one submission).

Submission:

Labcorp Genetics (formerly Invitae), Labcorp
Classification: Uncertain significance. Last evaluated: 2022-01-28. Review status: criteria provided, single submitter. Criteria: Invitae Variant Classification Sherloc (09022015). Collection method: clinical testing. Allele origin: germline.
Comment: This sequence change replaces histidine, which is basic and polar, with glutamine, which is neutral and polar, at codon 1607 of the DOCK6 protein (p.His1607Gln). This variant is not present in population databases (gnomAD no frequency). This variant has not been reported in the literature in individuals affected with DOCK6-related conditions. Algorithms developed to predict the effect of missense changes on protein structure and function are either unavailable or do not agree on the potential impact of this missense change (SIFT: "Deleterious"; PolyPhen-2: "Probably Damaging"; Align-GVGD: "Class C0"). In summary, the available evidence is currently insufficient to determine the role of this variant in disease. Therefore, it has been classified as a Variant of Uncertain Significance.